The following is an entry in ClinVar:

ClinVar aggregate classification (germline): Pathogenic. Review status: reviewed by expert panel (3 of 4 stars). 6 submissions from 6 submitters: Pathogenic (1). 5 of the submissions do not count toward it. Last evaluated 2016-09-08.

Conditions:
BRCA1-related disorder. Also called: BRCA1-related condition.
Hereditary cancer-predisposing syndrome. Also called: Tumor predisposition; Neoplastic Syndromes, Hereditary; Hereditary Cancer Syndrome; Hereditary neoplastic syndrome. Identifiers: Orphanet 140162, MedGen C0027672, MeSH D009386, MONDO:0015356.
Hereditary breast ovarian cancer syndrome. Also called: Hereditary breast and ovarian cancer syndrome (HBOC); Hereditary breast and ovarian cancer syndrome; Hereditary breast and ovarian cancer; Hereditary breast and/or ovarian cancer syndrome; Breast and ovarian cancer; BRCA1- and BRCA2-Associated Hereditary Breast and Ovarian Cancer. Identifiers: Orphanet 145, MedGen C0677776, MeSH D061325, MONDO:0003582. Disease mechanism: loss of function.
Breast-ovarian cancer, familial, susceptibility to, 1 (BROVCA1). Also called: OVARIAN CANCER, SUSCEPTIBILITY TO; BRCA1 Hereditary Breast and Ovarian Cancer. Identifiers: Orphanet 145, MedGen C2676676, MONDO:0011450, OMIM 604370. Disease mechanism: loss of function.

Submissions (6):

Evidence-based Network for the Interpretation of Germline Mutant Alleles (ENIGMA)
Classification: Pathogenic for Breast-ovarian cancer, familial, susceptibility to, 1. Last evaluated: 2016-09-08. Review status: reviewed by expert panel. Criteria: ENIGMA BRCA1/2 Classification Criteria (2015). Collection method: curation. Allele origin: germline.
Comment: Variant allele predicted to encode a truncated non-functional protein.

Ambry Genetics
Classification: Pathogenic for Hereditary cancer-predisposing syndrome. Last evaluated: 2024-12-12. Review status: criteria provided, single submitter. Criteria: Ambry Variant Classification Scheme 2023. Collection method: clinical testing. Allele origin: germline. Not counted in ClinVar's aggregate classification.
Comment: The c.3292_3293delCT pathogenic mutation, located in coding exon 9 of the BRCA1 gene, results from a deletion of two nucleotides at nucleotide positions 3292 to 3293, causing a translational frameshift with a predicted alternate stop codon (p.L1098Sfs*4). This alteration is expected to result in loss of function by premature protein truncation or nonsense-mediated mRNA decay. As such, this alteration is interpreted as a disease-causing mutation.

Blueprint Genetics
Classification: Likely pathogenic for BRCA1-related disorders. Last evaluated: 2023-06-09. Review status: criteria provided, single submitter. Criteria: ACMG Guidelines, 2015. Collection method: clinical testing. Allele origin: germline. Affected: yes. Observed: 1 variant allele. Not counted in ClinVar's aggregate classification.

Labcorp Genetics (formerly Invitae), Labcorp
Classification: Pathogenic for Hereditary breast ovarian cancer syndrome. Last evaluated: 2022-03-25. Review status: criteria provided, single submitter. Criteria: Invitae Variant Classification Sherloc (09022015). Collection method: clinical testing. Allele origin: germline. Not counted in ClinVar's aggregate classification.
Comment: For these reasons, this variant has been classified as Pathogenic. This sequence change creates a premature translational stop signal (p.Leu1098Serfs*4) in the BRCA1 gene. It is expected to result in an absent or disrupted protein product. Loss-of-function variants in BRCA1 are known to be pathogenic (PMID: 20104584). This variant is not present in population databases (gnomAD no frequency). This premature translational stop signal has been observed in individual(s) with breast and/or ovarian cancer (PMID: 27062684). ClinVar contains an entry for this variant (Variation ID: 54823).

Color Diagnostics, LLC DBA Color Health
Classification: Pathogenic for Hereditary cancer-predisposing syndrome. Last evaluated: 2021-07-16. Review status: criteria provided, single submitter. Criteria: ACMG Guidelines, 2015. Collection method: clinical testing. Allele origin: germline. Not counted in ClinVar's aggregate classification.
Comment: This variant deletes 2 nucleotides in exon 10 of the BRCA1 gene, creating a frameshift and premature translation stop signal. This variant is expected to result in an absent or non-functional protein product. To our knowledge, functional studies have not been reported for this variant. This variant has been reported in an individual affected with breast and/or ovarian cancer (PMID: 27062684). This variant has not been identified in the general population by the Genome Aggregation Database (gnomAD). Loss of BRCA1 function is a known mechanism of disease. Based on the available evidence, this variant is classified as Pathogenic.

Breast Cancer Information Core (BIC) (BRCA1)
Classification: Pathogenic for Breast-ovarian cancer, familial 1. Last evaluated: 1997-11-14. Review status: no assertion criteria provided. Collection method: clinical testing. Allele origin: germline. Affected: yes. Observed: 1 variant allele. Not counted in ClinVar's aggregate classification.

Literature cited by the submitters: PubMed 20104584 (cited by Labcorp Genetics (formerly Invitae), Labcorp); PubMed 27062684 (cited by Labcorp Genetics (formerly Invitae), Labcorp and Color Diagnostics, LLC DBA Color Health).

NM_007294.4(BRCA1):c.3292_3293del (p.Leu1098fs)

Genes: BRCA1 (BRCA1 DNA repair associated; minus strand), LOC126862571 (BRD4-independent group 4 enhancer GRCh37_chr17:41243136-41244335; plus strand). Cytogenetic location: 17q21.31.
Variant type: Deletion.
Coding change: c.3292_3293del on transcript NM_007294.4 (MANE Select); coding-DNA positions 3292 to 3293, 2 bases deleted (CT; older notation c.3292_3293delCT).
Protein change: p.Leu1098fs; shifts the reading frame from leucine 1098.
Molecular consequence: frameshift variant. On other transcripts: intron variant (137).
Genome position (GRCh38, 1-based): chr17:43,092,238-43,092,239, AG deleted on the plus strand (CT on the coding strand, the reverse complement: BRCA1 is on the minus strand); deleting any 2 consecutive bases within chr17:43,092,238-43,092,240 gives the same sequence; the c. name uses the placement nearest the transcript's 3' end. VCF-style (leftmost placement, unchanged base first): chr17-43092237-AAG-A. GRCh37 (hg19) VCF-style: chr17-41244254-AAG-A.
Other names: 3411delCT; c.3292_3293delCT (NM_007294.3); c.3079_3080del, p.Leu1027fs (NM_001407571.1, NM_001407853.1, NM_001407894.1 and 9 more transcripts); c.3292_3293del, p.Leu1098fs (NM_001407581.1, NM_001407582.1, NM_001407583.1 and 30 more transcripts); c.3289_3290del, p.Leu1097fs (NM_001407587.1, NM_001407590.1, NM_001407591.1 and 22 more transcripts); c.3283_3284del, p.Leu1095fs (NM_001407646.1, NM_001407647.1); c.3169_3170del, p.Leu1057fs (NM_001407648.1, NM_001407664.1, NM_001407665.1 and 19 more transcripts); c.3166_3167del, p.Leu1056fs (NM_001407649.1, NM_001407670.1, NM_001407671.1 and 11 more transcripts); and 43 more; short protein forms L1098fs, L1051fs, L1056fs, L1071fs, L930fs, L971fs, L987fs, L1009fs.
Identifiers: ClinVar variation 54823 (VCV000054823.19), dbSNP rs80357992, ClinGen allele CA002124.